The following is an entry in ClinVar:

NM_004655.4(AXIN2):c.155C>T (p.Ser52Phe)

Gene: AXIN2 (axin 2; minus strand). Cytogenetic location: 17q24.1.
Variant type: single nucleotide variant.
Coding change: c.155C>T on transcript NM_004655.4 (MANE Select); coding-DNA position 155, C replaced by T.
Protein change: p.Ser52Phe; replaces serine 52 with phenylalanine.
Molecular consequence: missense variant.
Genome position (GRCh38, 1-based): chr17:65,558,466, G>A on the plus strand (C>T on the coding strand, the complement: AXIN2 is on the minus strand). VCF-style: chr17-65558466-G-A. GRCh37 (hg19) VCF-style: chr17-63554584-G-A.
Other names: c.155C>T, p.Ser52Phe (NM_001363813.1); short protein forms S52F.
Identifiers: ClinVar variation 1923551 (VCV001923551.6), dbSNP rs2044308792, ClinGen allele CA400682005.
Genomic context (GRCh38, chr17:65,558,466, plus strand): 5'-TCCGGAGATGCCCGCCCCTCCGGCTCCCCCAACCCATCTTCGTTCCGCCTGGTGTTGGAA[G>A]AGACAGGCATGGGTTTGGTGACCTGGCCCTTGCCCACCCCTGGCTGACACGGTGGGGTCT-3'
Protein context (NP_004646.3, residues 42-62): KGQVTKPMPV[Ser52Phe]SNTRRNEDGL

ClinVar aggregate classification (germline): Uncertain significance. Review status: criteria provided, multiple submitters, no conflicts (2 of 4 stars). 2 submissions from 2 submitters: Uncertain significance (2). Last evaluated 2025-07-25.

Conditions:
Hereditary cancer-predisposing syndrome. Also called: Hereditary Cancer Syndrome; Hereditary neoplastic syndrome; Neoplastic Syndromes, Hereditary; Tumor predisposition. Identifiers: Orphanet 140162, MedGen C0027672, MeSH D009386, MONDO:0015356.
Oligodontia-cancer predisposition syndrome. Also called: TOOTH AGENESIS-COLORECTAL CANCER SYNDROME. Identifiers: Orphanet 300576, MedGen C1837750, MONDO:0012075, OMIM 608615. Disease mechanism: loss of function.

gnomAD v4.1: 1 of 1,604,376 alleles (0.000062%); highest among the groups gnomAD compares: Non-Finnish European, 0.000085%; no homozygotes.

Submissions (2):

Ambry Genetics
Classification: Uncertain significance for Hereditary cancer-predisposing syndrome. Last evaluated: 2025-07-25. Review status: criteria provided, single submitter. Criteria: Ambry Variant Classification Scheme 2023. Collection method: clinical testing. Allele origin: germline.
Comment: The p.S52F variant (also known as c.155C>T), located in coding exon 1 of the AXIN2 gene, results from a C to T substitution at nucleotide position 155. The serine at codon 52 is replaced by phenylalanine, an amino acid with highly dissimilar properties. This amino acid position is conserved. In addition, the in silico prediction for this alteration is inconclusive. Based on the available evidence, the clinical significance of this variant remains unclear.

Labcorp Genetics (formerly Invitae), Labcorp
Classification: Uncertain significance for Oligodontia-cancer predisposition syndrome. Last evaluated: 2024-11-24. Review status: criteria provided, single submitter. Criteria: Invitae Variant Classification Sherloc (09022015). Collection method: clinical testing. Allele origin: germline.
Comment: This sequence change replaces serine, which is neutral and polar, with phenylalanine, which is neutral and non-polar, at codon 52 of the AXIN2 protein (p.Ser52Phe). This variant is not present in population databases (gnomAD no frequency). This variant has not been reported in the literature in individuals affected with AXIN2-related conditions. ClinVar contains an entry for this variant (Variation ID: 1923551). Invitae Evidence Modeling of protein sequence and biophysical properties (such as structural, functional, and spatial information, amino acid conservation, physicochemical variation, residue mobility, and thermodynamic stability) indicates that this missense variant is not expected to disrupt AXIN2 protein function with a negative predictive value of 80%. In summary, the available evidence is currently insufficient to determine the role of this variant in disease. Therefore, it has been classified as a Variant of Uncertain Significance.